The following is an entry in ClinVar:

ClinVar aggregate classification (germline): Uncertain significance. Review status: criteria provided, multiple submitters, no conflicts (2 of 4 stars). 2 submissions from 2 submitters: Uncertain significance (2). Last evaluated 2024-08-08.

Conditions:
Hereditary cancer-predisposing syndrome. Also called: Neoplastic Syndromes, Hereditary; Tumor predisposition; Hereditary Cancer Syndrome; Hereditary neoplastic syndrome. Identifiers: Orphanet 140162, MedGen C0027672, MeSH D009386, MONDO:0015356.
Breast-ovarian cancer, familial, susceptibility to, 4. Identifiers: Orphanet 145, MedGen C3280345, MONDO:0013669, OMIM 614291.

Submissions (2):

Labcorp Genetics (formerly Invitae), Labcorp
Classification: Uncertain significance for Breast-ovarian cancer, familial, susceptibility to, 4. Last evaluated: 2024-08-08. Review status: criteria provided, single submitter. Criteria: Invitae Variant Classification Sherloc (09022015). Collection method: clinical testing. Allele origin: germline.
Comment: This sequence change replaces glycine, which is neutral and non-polar, with arginine, which is basic and polar, at codon 217 of the RAD51D protein (p.Gly217Arg). This variant is not present in population databases (gnomAD no frequency). This variant has not been reported in the literature in individuals affected with RAD51D-related conditions. ClinVar contains an entry for this variant (Variation ID: 482196). Advanced modeling of protein sequence and biophysical properties (such as structural, functional, and spatial information, amino acid conservation, physicochemical variation, residue mobility, and thermodynamic stability) performed at Invitae indicates that this missense variant is not expected to disrupt RAD51D protein function with a negative predictive value of 80%. In summary, the available evidence is currently insufficient to determine the role of this variant in disease. Therefore, it has been classified as a Variant of Uncertain Significance.

Ambry Genetics
Classification: Uncertain significance for Hereditary cancer-predisposing syndrome. Last evaluated: 2023-12-20. Review status: criteria provided, single submitter. Criteria: Ambry Variant Classification Scheme 2023. Collection method: clinical testing. Allele origin: germline.
Comment: The p.G217R variant (also known as c.649G>A), located in coding exon 7 of the RAD51D gene, results from a G to A substitution at nucleotide position 649. The glycine at codon 217 is replaced by arginine, an amino acid with dissimilar properties. This amino acid position is highly conserved in available vertebrate species. In addition, this alteration is predicted to be deleterious by in silico analysis. Since supporting evidence is limited at this time, the clinical significance of this alteration remains unclear.

NM_002878.4(RAD51D):c.649G>A (p.Gly217Arg)

Genes: RAD51D (RAD51 paralog D; minus strand), RAD51L3-RFFL (RAD51L3-RFFL readthrough; minus strand). Cytogenetic location: 17q12.
Variant type: single nucleotide variant.
Coding change: c.649G>A on transcript NM_002878.4 (MANE Select); coding-DNA position 649, G replaced by A.
Protein change: p.Gly217Arg; replaces glycine 217 with arginine.
Molecular consequence: missense variant. On other transcripts: non-coding transcript variant (3).
Genome position (GRCh38, 1-based): chr17:35,103,472, C>T on the plus strand (G>A on the coding strand, the complement: RAD51D is on the minus strand). VCF-style: chr17-35103472-C-T. GRCh37 (hg19) VCF-style: chr17-33430491-C-T.
Other names: c.709G>A, p.Gly237Arg (NM_001142571.2); c.313G>A, p.Gly105Arg (NM_133629.3); short protein forms G217R, G105R, G237R.
Identifiers: ClinVar variation 482196 (VCV000482196.7), dbSNP rs775365939, ClinGen allele CA399087866.